The following is an entry in ClinVar:

ClinVar aggregate classification (germline): Pathogenic (1 of 4 stars; one submission).

Conditions:
CHARGE syndrome (CHARGE). Also called: Hittner Hirsch Kreh syndrome; Coloboma, heart anomaly, choanal atresia, retardation, genital and ear anomalies; CHARGE association; Hall-Hittner syndrome; CHARGE ASSOCIATION--COLOBOMA, HEART ANOMALY, CHOANAL ATRESIA, RETARDATION, GENITAL AND EAR ANOMALIES. Identifiers: Orphanet 138, MedGen C0265354, MONDO:0008965.

Submission:

Labcorp Genetics (formerly Invitae), Labcorp
Classification: Pathogenic for CHARGE syndrome. Last evaluated: 2019-08-28. Review status: criteria provided, single submitter. Criteria: Invitae Variant Classification Sherloc (09022015). Collection method: clinical testing. Allele origin: germline.
Comment: For these reasons, this variant has been classified as Pathogenic. Loss-of-function variants in CHD7 are known to be pathogenic (PMID: 22461308, 25077900). This variant has not been reported in the literature in individuals with CHD7-related conditions. This variant is not present in population databases (ExAC no frequency). This sequence change creates a premature translational stop signal (p.Asp923Glyfs*11) in the CHD7 gene. It is expected to result in an absent or disrupted protein product.

Literature cited by the submitters: PubMed 22461308; PubMed 25077900.

NM_017780.4(CHD7):c.2767dup (p.Asp923fs)

Gene: CHD7 (chromodomain helicase DNA binding protein 7; plus strand). Cytogenetic location: 8q12.2.
Variant type: Duplication.
Coding change: c.2767dup on transcript NM_017780.4 (MANE Select); coding-DNA position 2767, one base duplicated (G; older notation c.2767dupG).
Protein change: p.Asp923fs; shifts the reading frame from aspartic acid 923.
Molecular consequence: frameshift variant. On other transcripts: intron variant (1).
Genome position (GRCh38, 1-based): chr8:60,821,859, G duplicated; the last of 2 consecutive G bases (chr8:60,821,858-60,821,859); duplicating either gives the same sequence. VCF-style (leftmost placement, unchanged base first): chr8-60821857-A-AG. GRCh37 (hg19) VCF-style: chr8-61734416-A-AG.
Other names: c.1717-40370dup (NM_001316690.1); short protein forms D923fs.
Identifiers: ClinVar variation 933573 (VCV000933573.7), dbSNP rs1804056309, ClinGen allele CA1139660544.
Genomic context (GRCh38, chr8:60,821,857, plus strand): 5'-CTCACTATCTGGTGAAGTGGTGTTCACTTCCTTATGAAGACAGCACGTGGGAGCGGAGGC[A>AG]GGACATAGATCAAGCAAAGATCGAGGAGTTTGAGAAACTAATGTCCAGGGAGCCGGAAAC-3'